The following is an entry in ClinVar:

ClinVar aggregate classification (germline): Likely benign. Review status: criteria provided, multiple submitters, no conflicts (2 of 4 stars). 3 submissions from 3 submitters: Likely benign (3). Last evaluated 2025-12-28.

Conditions:
CNTN1-related disorder. Also called: CNTN1-related condition.
Compton-North congenital myopathy (CMYO12). Identifiers: Orphanet 210163, MedGen C2675527, MONDO:0012929, OMIM 612540.

Allele frequency attached by ClinVar (database versions not stated): gnomAD exomes 0.00009 and 0.00021; ExAC 0.00024; ESP Exome Variant Server 0.00046; 1000 Genomes Project 30x 0.00062; 1000 Genomes Project 0.00080; gnomAD 0.00084 and 0.00091; TOPMed 0.00093.
gnomAD v4.1: 257 of 1,571,942 alleles (0.016%); highest among the groups gnomAD compares: African/African-American, 0.29%; no homozygotes.

Submissions (3):

Labcorp Genetics (formerly Invitae), Labcorp
Classification: Likely benign for Compton-North congenital myopathy. Last evaluated: 2025-12-28. Review status: criteria provided, single submitter. Criteria: Invitae Variant Classification Sherloc (09022015). Collection method: clinical testing. Allele origin: germline.

PreventionGenetics, part of Exact Sciences
Classification: Likely benign for CNTN1-related condition. Last evaluated: 2025-05-05. Review status: criteria provided, single submitter. Criteria: ACMG Guidelines, 2015. Collection method: clinical testing. Allele origin: germline.
Comment: This variant is classified as likely benign based on ACMG/AMP sequence variant interpretation guidelines (Richards et al. 2015 PMID: 25741868, with internal and published modifications).

GeneDx
Classification: Likely benign. Last evaluated: 2020-07-17. Review status: criteria provided, single submitter. Criteria: GeneDx Variant Classification Process June 2021. Collection method: clinical testing. Allele origin: germline. Affected: yes.

NM_001843.4(CNTN1):c.2523+4C>T

Gene: CNTN1 (contactin 1; plus strand). Cytogenetic location: 12q12.
Variant type: single nucleotide variant.
Coding change: c.2523+4C>T on transcript NM_001843.4 (MANE Select); 4 bases into the intron after coding-DNA position 2523, C replaced by T.
Molecular consequence: intron variant.
Genome position (GRCh38, 1-based): chr12:41,020,444, C>T. VCF-style: chr12-41020444-C-T. GRCh37 (hg19) VCF-style: chr12-41414246-C-T.
Other names: c.2490+4C>T (NM_175038.2).
Identifiers: ClinVar variation 705848 (VCV000705848.14), dbSNP rs74076940, ClinGen allele CA6517154.